The following is an entry in ClinVar:

NM_000545.8(HNF1A):c.1566G>T (p.Met522Ile)

Gene: HNF1A (HNF1 homeobox A; plus strand). Cytogenetic location: 12q24.31.
Variant type: single nucleotide variant.
Coding change: c.1566G>T on transcript NM_000545.8 (MANE Select); coding-DNA position 1566, G replaced by T.
Protein change: p.Met522Ile; replaces methionine 522 with isoleucine.
Molecular consequence: missense variant.
Genome position (GRCh38, 1-based): chr12:120,999,332, G>T. VCF-style: chr12-120999332-G-T. GRCh37 (hg19) VCF-style: chr12-121437135-G-T.
Other names: c.1566G>T, p.Met522Ile (NM_001306179.2); short protein forms M522I.
Identifiers: ClinVar variation 1329516 (VCV001329516.2), dbSNP rs2135850753, ClinGen allele CA386971946.

ClinVar aggregate classification (germline): Uncertain significance (1 of 4 stars; one submission).

Allele frequency attached by ClinVar (database versions not stated): gnomAD exomes below 0.00001.
gnomAD v4.1: 1 of 1,613,990 alleles (0.000062%); highest among the groups gnomAD compares: East Asian, 0.0022%; no homozygotes.

Submission:

GeneDx
Classification: Uncertain significance. Last evaluated: 2021-06-23. Review status: criteria provided, single submitter. Criteria: GeneDx Variant Classification Process June 2021. Collection method: clinical testing. Allele origin: germline. Affected: yes.
Comment: Not observed at significant frequency in large population cohorts (Lek et al., 2016); In silico analysis supports that this missense variant does not alter protein structure/function; Has not been previously published as pathogenic or benign to our knowledge; This variant is associated with the following publications: (PMID: 21224407, 27535533)